The following is an entry in ClinVar:

ClinVar aggregate classification (germline): Likely benign. Review status: criteria provided, multiple submitters, no conflicts (2 of 4 stars). 3 submissions from 3 submitters: Likely benign (2). 1 of the submissions does not count toward it. Last evaluated 2025-07-01.

Conditions:
FSIP2-related disorder. Also called: FSIP2-related condition.

Allele frequency attached by ClinVar (database versions not stated): 1000 Genomes Project 30x 0.00172; 1000 Genomes Project 0.00220; ESP Exome Variant Server 0.00430.
gnomAD v4.1: 9,716 of 1,602,088 alleles (0.61%); highest among the groups gnomAD compares: Non-Finnish European, 0.68%; 40 homozygotes.

Submissions (3):

CeGaT Center for Human Genetics Tuebingen
Classification: Likely benign. Last evaluated: 2025-07-01. Review status: criteria provided, single submitter. Criteria: CeGaT Center For Human Genetics Tuebingen Variant Classification Criteria Version 2. Collection method: clinical testing. Allele origin: germline. Affected: yes. Observed: 4 variant alleles.
Comment: FSIP2: BP4, BP7, BS2

Breakthrough Genomics
Classification: Likely benign. Review status: criteria provided, single submitter. Criteria: ACMG Guidelines, 2015. Collection method: not provided. Allele origin: germline. Inheritance: Autosomal recessive inheritance. Affected: yes.

PreventionGenetics, part of Exact Sciences
Classification: Benign for FSIP2-related condition. Last evaluated: 2019-05-15. Review status: no assertion criteria provided. Collection method: clinical testing. Allele origin: germline. Not counted in ClinVar's aggregate classification.
Comment: This variant is classified as benign based on ACMG/AMP sequence variant interpretation guidelines (Richards et al. 2015 PMID: 25741868, with internal and published modifications).

NM_173651.4(FSIP2):c.16503C>T (p.Ser5501=)

Gene: FSIP2 (fibrous sheath interacting protein 2; plus strand). Cytogenetic location: 2q32.1.
Variant type: single nucleotide variant.
Coding change: c.16503C>T on transcript NM_173651.4 (MANE Select); coding-DNA position 16503, C replaced by T.
Protein change: p.Ser5501=; no amino-acid change (serine 5501 retained).
Molecular consequence: synonymous variant.
Genome position (GRCh38, 1-based): chr2:185,805,809, C>T. VCF-style: chr2-185805809-C-T. GRCh37 (hg19) VCF-style: chr2-186670536-C-T.
Other names: c.16503C>T (NM_173651.3).
Identifiers: ClinVar variation 1176752 (VCV001176752.37), dbSNP rs137864187, ClinGen allele CA2017251.